The following is an entry in ClinVar:

ClinVar aggregate classification (germline): Uncertain significance (1 of 4 stars; one submission).

Conditions:
Hereditary breast ovarian cancer syndrome. Also called: Hereditary breast and ovarian cancer; Hereditary breast and ovarian cancer syndrome (HBOC); Breast and ovarian cancer; Hereditary breast and/or ovarian cancer syndrome; BRCA1- and BRCA2-Associated Hereditary Breast and Ovarian Cancer; Hereditary breast and ovarian cancer syndrome. Identifiers: Orphanet 145, MedGen C0677776, MeSH D061325, MONDO:0003582. Disease mechanism: loss of function.

gnomAD v4.1: 1 of 1,613,552 alleles (0.000062%); no homozygotes.

Submissions (2):

Labcorp Genetics (formerly Invitae), Labcorp
Classification: Uncertain significance for Hereditary breast ovarian cancer syndrome. Last evaluated: 2020-05-11. Review status: criteria provided, single submitter. Criteria: Invitae Variant Classification Sherloc (09022015). Collection method: clinical testing. Allele origin: germline.
Comment: In summary, the available evidence is currently insufficient to determine the role of this variant in disease. Therefore, it has been classified as a Variant of Uncertain Significance. This variant has been reported not to substantially affect BRCA1 protein function (PMID: 30209399). This variant has not been reported in the literature in individuals with BRCA1-related conditions. ClinVar contains an entry for this variant (Variation ID: 868525). This variant is not present in population databases (ExAC no frequency). This sequence change replaces lysine with arginine at codon 1671 of the BRCA1 protein (p.Lys1671Arg). The lysine residue is moderately conserved and there is a small physicochemical difference between lysine and arginine.

Brotman Baty Institute, University of Washington
No classification provided (evidence only). Condition: Breast-ovarian cancer, familial 1. Review status: no classification provided. Collection method: in vitro. Allele origin: not applicable. Functional consequence: functionally_normal. Not counted in ClinVar's aggregate classification.
ClinVar note: "not provided" was previously submitted as the classification for the variant. However, the classification appeared to be based only on an observation of functional data so it was converted to no classification on 2025-07-30.

Literature cited by the submitters: PubMed 30209399 (cited by Labcorp Genetics (formerly Invitae), Labcorp).

NM_007294.4(BRCA1):c.5012A>G (p.Lys1671Arg)

Gene: BRCA1 (BRCA1 DNA repair associated; minus strand). Cytogenetic location: 17q21.31.
Variant type: single nucleotide variant.
Coding change: c.5012A>G on transcript NM_007294.4 (MANE Select); coding-DNA position 5012, A replaced by G.
Protein change: p.Lys1671Arg; replaces lysine 1671 with arginine.
Molecular consequence: missense variant. On other transcripts: non-coding transcript variant (1).
Genome position (GRCh38, 1-based): chr17:43,067,670, T>C on the plus strand (A>G on the coding strand, the complement: BRCA1 is on the minus strand). VCF-style: chr17-43067670-T-C. GRCh37 (hg19) VCF-style: chr17-41219687-T-C.
Other names: c.4799A>G, p.Lys1600Arg (NM_001407571.1, NM_001407894.1, NM_001407895.1 and 12 more transcripts); c.5078A>G, p.Lys1693Arg (NM_001407581.1, NM_001407582.1); c.5075A>G, p.Lys1692Arg (NM_001407583.1, NM_001407585.1, NM_001407587.1 and 1 more transcripts); c.5072A>G, p.Lys1691Arg (NM_001407590.1, NM_001407591.1); c.5012A>G, p.Lys1671Arg (NM_001407593.1, NM_001407594.1, NM_001407596.1 and 8 more transcripts); c.5009A>G, p.Lys1670Arg (NM_001407618.1, NM_001407619.1, NM_001407620.1 and 17 more transcripts); c.5006A>G, p.Lys1669Arg (NM_001407637.1, NM_001407638.1, NM_001407639.1 and 14 more transcripts); c.5003A>G, p.Lys1668Arg (NM_001407644.1, NM_001407645.1); and 70 more; short protein forms K1624R, K1671R, K1692R, K567R, K1374R, K1375R, K1517R, K1560R.
Identifiers: ClinVar variation 868525 (VCV000868525.13), dbSNP rs2052181606, ClinGen allele CA10591494.